The following is an entry in ClinVar:

ClinVar aggregate classification (germline): Uncertain significance (1 of 4 stars; one submission).

Conditions:
Microphthalmia, isolated, with coloboma 9 (MCOPCB9). Identifiers: Orphanet 98938, MedGen C3554592, MONDO:0014059, OMIM 615145.

gnomAD v4.1: 111 of 1,613,794 alleles (0.0069%); highest among the groups gnomAD compares: African/African-American, 0.0093%; no homozygotes.

Submission:

Juno Genomics, Hangzhou Juno Genomics, Inc
Classification: Uncertain significance for Microphthalmia, isolated, with coloboma 9. Review status: criteria provided, single submitter. Criteria: ACMG Guidelines, 2015. Collection method: clinical testing. Allele origin: germline.
Comment: Absent from controls (or at extremely low frequency if recessive) in Genome Aggregation Database.;Missense variant in a gene that has a low rate of benign missense variation.;Multiple lines of computational evidence support a deleterious effect on the gene or gene product.

NM_001080477.4(TENM3):c.6017G>A (p.Arg2006His)

Gene: TENM3 (teneurin transmembrane protein 3; plus strand). Cytogenetic location: 4q35.1.
Variant type: single nucleotide variant.
Coding change: c.6017G>A on transcript NM_001080477.4 (MANE Select); coding-DNA position 6017, G replaced by A.
Protein change: p.Arg2006His; replaces arginine 2006 with histidine.
Molecular consequence: missense variant.
Genome position (GRCh38, 1-based): chr4:182,792,689, G>A. VCF-style: chr4-182792689-G-A. GRCh37 (hg19) VCF-style: chr4-183713842-G-A.
Other names: c.5249G>A, p.Arg1750His (NM_001415960.1); c.5222G>A, p.Arg1741His (NM_001415961.1); c.5219G>A, p.Arg1740His (NM_001415962.1); c.5201G>A, p.Arg1734His (NM_001415963.1); c.5198G>A, p.Arg1733His (NM_001415964.1); c.5735G>A, p.Arg1912His (NM_001415966.1); c.5759G>A, p.Arg1920His (NM_001415967.1); c.6035G>A, p.Arg2012His (NM_001415968.1); and 4 more; short protein forms R1733H, R1750H, R2006H, R1741H, R1912H, R1913H, R2012H, R2013H.
Identifiers: ClinVar variation 5006755 (VCV005006755.2).